The following is an entry in ClinVar:

NM_018979.4(WNK1):c.7062G>T (p.Val2354=)

Gene: WNK1 (WNK lysine deficient protein kinase 1; plus strand). Cytogenetic location: 12p13.33.
Variant type: single nucleotide variant.
Coding change: c.7062G>T on transcript NM_018979.4 (MANE Select); coding-DNA position 7062, G replaced by T.
Protein change: p.Val2354=; no amino-acid change (valine 2354 retained).
Molecular consequence: synonymous variant.
Genome position (GRCh38, 1-based): chr12:908,705, G>T. VCF-style: chr12-908705-G-T. GRCh37 (hg19) VCF-style: chr12-1017871-G-T.
Other names: c.7842G>T, p.Val2614= (NM_001184985.2); c.6318G>T, p.Val2106= (NM_014823.3); c.7818G>T, p.Val2606= (NM_213655.5).
Identifiers: ClinVar variation 4821931 (VCV004821931.4).
Genomic context (GRCh38, chr12:908,705, plus strand): 5'-CGCTCAATGGAGTGGGACGGGTGGCCCAGCACCACAGCCACTTGGCCAGTTCCAACCTGT[G>T]GGAACTGCCTCCTTGCAGAATTTCAACATCAGCAATTTGCAGAAATCCATCAGCAACCCC-3'
Protein context (NP_061852.3, residues 2344-2364): APQPLGQFQP[Val2354=]GTASLQNFNI

ClinVar aggregate classification (germline): Likely benign (1 of 4 stars; one submission).

Submission:

CeGaT Center for Human Genetics Tuebingen
Classification: Likely benign. Last evaluated: 2026-03-01. Review status: criteria provided, single submitter. Criteria: CeGaT Center For Human Genetics Tuebingen Variant Classification Criteria Version 2. Collection method: clinical testing. Allele origin: germline. Affected: yes. Observed: 1 variant allele.
Comment: WNK1: PM2:Supporting, BP4, BP7